The following is an entry in ClinVar:

ClinVar aggregate classification (germline): Uncertain significance (1 of 4 stars; one submission).

Allele frequency attached by ClinVar (database versions not stated): gnomAD exomes below 0.00001.
gnomAD v4.1: 1 of 1,578,948 alleles (0.000063%); highest among the groups gnomAD compares: African/African-American, 0.0014%; no homozygotes.

Submission:

Labcorp Genetics (formerly Invitae), Labcorp
Classification: Uncertain significance. Last evaluated: 2024-10-29. Review status: criteria provided, single submitter. Criteria: Invitae Variant Classification Sherloc (09022015). Collection method: clinical testing. Allele origin: germline.
Comment: This sequence change replaces glutamic acid, which is acidic and polar, with lysine, which is basic and polar, at codon 1133 of the TONSL protein (p.Glu1133Lys). The frequency data for this variant in the population databases is considered unreliable, as metrics indicate poor data quality at this position in the gnomAD database. This variant has not been reported in the literature in individuals affected with TONSL-related conditions. ClinVar contains an entry for this variant (Variation ID: 1438417). Invitae Evidence Modeling of protein sequence and biophysical properties (such as structural, functional, and spatial information, amino acid conservation, physicochemical variation, residue mobility, and thermodynamic stability) indicates that this missense variant is expected to disrupt TONSL protein function with a positive predictive value of 80%. In summary, the available evidence is currently insufficient to determine the role of this variant in disease. Therefore, it has been classified as a Variant of Uncertain Significance.

NM_013432.5(TONSL):c.3397G>A (p.Glu1133Lys)

Gene: TONSL (tonsoku like, DNA repair protein; minus strand). Cytogenetic location: 8q24.3.
Variant type: single nucleotide variant.
Coding change: c.3397G>A on transcript NM_013432.5 (MANE Select); coding-DNA position 3397, G replaced by A.
Protein change: p.Glu1133Lys; replaces glutamic acid 1133 with lysine.
Molecular consequence: missense variant.
Genome position (GRCh38, 1-based): chr8:144,433,750, C>T on the plus strand (G>A on the coding strand, the complement: TONSL is on the minus strand). VCF-style: chr8-144433750-C-T. GRCh37 (hg19) VCF-style: chr8-145659133-C-T.
Other names: short protein forms E1133K.
Identifiers: ClinVar variation 1438417 (VCV001438417.8), dbSNP rs1554879257, ClinGen allele CA372644983.
Genomic context (GRCh38, chr8:144,433,750, plus strand): 5'-GGAGGGAGGCCAGGGACTGGCCACAGCCGTCCCCCAGGGGGTTCATGCTTAAGTCCAGCT[C>T]CTCCAAACTCTGTGGAAGACACAGGCTGGCAGTGAGCCCCCAGCAGTCCCACGGACAGGG-3'
Protein context (NP_038460.4, residues 1123-1143): PGQATLQSLE[Glu1133Lys]LDLSMNPLGD